The following is an entry in ClinVar:

ClinVar aggregate classification (germline): Conflicting classifications of pathogenicity. Review status: criteria provided, conflicting classifications (1 of 4 stars). 6 submissions from 6 submitters: Uncertain significance (2); Benign (1); Likely benign (3). Last evaluated 2026-01-14.

Conditions:
TSC1-related disorder. Also called: TSC1-related condition.
Hereditary cancer-predisposing syndrome. Also called: Neoplastic Syndromes, Hereditary; Tumor predisposition; Hereditary Cancer Syndrome; Hereditary neoplastic syndrome. Identifiers: Orphanet 140162, MedGen C0027672, MeSH D009386, MONDO:0015356.
Tuberous sclerosis syndrome (TSC). Also called: Tuberous Sclerosis Complex; Tuberous sclerosis. Identifiers: Orphanet 805, MedGen C0041341, MONDO:0001734.
Tuberous sclerosis 1 (TSC1). Identifiers: Orphanet 805, MedGen C1854465, MONDO:0008612, OMIM 191100.

Allele frequency attached by ClinVar (database versions not stated): TOPMed below 0.00001; gnomAD exomes 0.00001 and 0.00002; ExAC 0.00002.

Submissions (6):

Labcorp Genetics (formerly Invitae), Labcorp
Classification: Benign for Tuberous sclerosis 1. Last evaluated: 2026-01-14. Review status: criteria provided, single submitter. Criteria: Invitae Variant Classification Sherloc (09022015). Collection method: clinical testing. Allele origin: germline.

PreventionGenetics, part of Exact Sciences
Classification: Likely benign for TSC1-related condition. Last evaluated: 2026-01-07. Review status: criteria provided, single submitter. Criteria: ACMG Guidelines, 2015. Collection method: clinical testing. Allele origin: germline.
Comment: This variant is classified as likely benign based on ACMG/AMP sequence variant interpretation guidelines (Richards et al. 2015 PMID: 25741868, with internal and published modifications).

Ambry Genetics
Classification: Uncertain significance for Hereditary cancer-predisposing syndrome. Last evaluated: 2025-12-12. Review status: criteria provided, single submitter. Criteria: Ambry Variant Classification Scheme 2023. Collection method: clinical testing. Allele origin: germline.
Comment: The p.P56L variant (also known as c.167C>T), located in coding exon 2 of the TSC1 gene, results from a C to T substitution at nucleotide position 167. The proline at codon 56 is replaced by leucine, an amino acid with similar properties. This amino acid position is not well conserved in available vertebrate species. In addition, the in silico prediction for this alteration is inconclusive. Based on the available evidence, the clinical significance of this variant remains unclear.

All of Us Research Program, National Institutes of Health
Classification: Likely benign for Tuberous sclerosis syndrome. Last evaluated: 2023-03-23. Review status: criteria provided, single submitter. Criteria: ACMG Guidelines, 2015. Collection method: clinical testing. Allele origin: germline. Inheritance: Autosomal dominant inheritance. Observed: 1 variant allele, 1 heterozygote.
Comment: This study involves interpretation of variants in research participants for the purpose of population health screening. Participant phenotype was not available at the time of variant classification. Additional details can be found in publication PMID: 35346344, PMCID: PMC8962531

Genome-Nilou Lab
Classification: Likely benign for Tuberous sclerosis 1. Last evaluated: 2021-11-07. Review status: criteria provided, single submitter. Criteria: ACMG Guidelines, 2015. Collection method: clinical testing. Allele origin: germline. Affected: no.

GeneDx
Classification: Uncertain significance. Last evaluated: 2016-08-15. Review status: criteria provided, single submitter. Criteria: GeneDx Variant Classification (06012015). Collection method: clinical testing. Allele origin: germline. Affected: yes.
Comment: A variant of uncertain significance has been identified in the TSC1 gene. The P56Lvariant has not been published as a pathogenic variant, nor has it been reported as a benign variant to our knowledge. It was not observed in approximately 6,500 individuals of European and African American ancestry in the NHLBI Exome Sequencing Project, indicating it is not a common benign variant in these populations. The P56L variant is a semi-conservative amino acid substitution, which may impact secondary protein structure as these residues differ in some properties. Missense variants in nearby residues (L61R, L61P) have been reported in the Human Gene Mutation Database in association with tuberous sclerosis. However, this substitution occurs at a position that is not conserved in species. In silico analysis is inconsistent in its predictions as to whether or not the variant is damaging to the protein structure/function. Therefore, based on the currently available information, it is unclear whether this variant is a pathogenic variant or a rare benign variant.

NM_000368.5(TSC1):c.167C>T (p.Pro56Leu)

Gene: TSC1 (TSC complex subunit 1; minus strand). Cytogenetic location: 9q34.13.
Variant type: single nucleotide variant.
Coding change: c.167C>T on transcript NM_000368.5 (MANE Select); coding-DNA position 167, C replaced by T.
Protein change: p.Pro56Leu; replaces proline 56 with leucine.
Molecular consequence: missense variant. On other transcripts: intron variant (1).
Genome position (GRCh38, 1-based): chr9:132,927,244, G>A on the plus strand (C>T on the coding strand, the complement: TSC1 is on the minus strand). VCF-style: chr9-132927244-G-A. GRCh37 (hg19) VCF-style: chr9-135802631-G-A.
Other names: c.167C>T, p.Pro56Leu (NM_001162426.2, NM_001162427.2); c.-153-1505C>T (NM_001362177.2); short protein forms P56L.
Identifiers: ClinVar variation 388596 (VCV000388596.22), dbSNP rs750512029, ClinGen allele CA029375.
Genomic context (GRCh38, chr9:132,927,244, plus strand): 5'-GATATTTCAGCCATTACCTTGTCATGTGGCTCTTGCAAGGTGGTCAGGATGTGCAATGCC[G>A]GCTGAGAGCTGGTTTCCAGGTAATAATCCACCAAGGTGTTTACAAGCATAGGGCCACGGT-3'
Protein context (NP_000359.1, residues 46-66): VDYYLETSSQ[Pro56Leu]ALHILTTLQE